The following is an entry in ClinVar:

NM_016239.4(MYO15A):c.2028C>A (p.Pro676=)

Gene: MYO15A (myosin XVA; plus strand). Cytogenetic location: 17p11.2.
Variant type: single nucleotide variant.
Coding change: c.2028C>A on transcript NM_016239.4 (MANE Select); coding-DNA position 2028, C replaced by A.
Protein change: p.Pro676=; no amino-acid change (proline 676 retained).
Molecular consequence: synonymous variant.
Genome position (GRCh38, 1-based): chr17:18,120,828, C>A. VCF-style: chr17-18120828-C-A. GRCh37 (hg19) VCF-style: chr17-18024142-C-A.
Other names: p.Pro676=.
Identifiers: ClinVar variation 227636 (VCV000227636.50), dbSNP rs577023485, ClinGen allele CA8423223.

ClinVar aggregate classification (germline): Benign/Likely benign. Review status: criteria provided, multiple submitters, no conflicts (2 of 4 stars). 9 submissions from 9 submitters: Benign (5); Likely benign (4). Last evaluated 2026-08-01.

Conditions:
Autosomal recessive nonsyndromic hearing loss 3. Also called: NEUROSENSORY NONSYNDROMIC RECESSIVE DEAFNESS 3. Identifiers: Orphanet 90636, MedGen C1838263, MONDO:0010860, OMIM 600316.

Allele frequency attached by ClinVar (database versions not stated): 1000 Genomes Project 0.00060; 1000 Genomes Project 30x 0.00234; TOPMed 0.00654; ExAC 0.00718; gnomAD 0.00762; gnomAD exomes 0.01099.
gnomAD v4.1: 14,401 of 1,173,212 alleles (1.2%); highest among the groups gnomAD compares: Non-Finnish European, 1.4%; 95 homozygotes.

Submissions (9):

CeGaT Center for Human Genetics Tuebingen
Classification: Benign. Last evaluated: 2026-08-01. Review status: criteria provided, single submitter. Criteria: CeGaT Center For Human Genetics Tuebingen Variant Classification Criteria Version 2. Collection method: clinical testing. Allele origin: germline. Affected: yes. Observed: 9 variant alleles.
Comment: MYO15A: BP4, BP7, BS1, BS2

Labcorp Genetics (formerly Invitae), Labcorp
Classification: Benign. Last evaluated: 2026-01-28. Review status: criteria provided, single submitter. Criteria: Invitae Variant Classification Sherloc (09022015). Collection method: clinical testing. Allele origin: germline.

Blueprint Genetics
Classification: Likely benign. Last evaluated: 2024-11-27. Review status: criteria provided, single submitter. Criteria: ACMG Guidelines, 2015. Collection method: clinical testing. Allele origin: germline.

ARUP Laboratories, Molecular Genetics and Genomics, ARUP Laboratories
Classification: Benign for Autosomal recessive nonsyndromic hearing loss 3. Last evaluated: 2022-09-12. Review status: criteria provided, single submitter. Criteria: ARUP Molecular Germline Variant Investigation Process 2021. Collection method: clinical testing. Allele origin: germline.

Mayo Clinic Laboratories, Mayo Clinic
Classification: Benign. Last evaluated: 2021-03-24. Review status: criteria provided, single submitter. Criteria: ACMG Guidelines, 2015. Collection method: clinical testing. Allele origin: germline. Observed: 3 variant alleles.

GeneDx
Classification: Benign. Last evaluated: 2019-09-25. Review status: criteria provided, single submitter. Criteria: GeneDx Variant Classification Process June 2021. Collection method: clinical testing. Allele origin: germline. Affected: yes.

Illumina Laboratory Services, Illumina
Classification: Likely benign for Autosomal recessive nonsyndromic hearing loss 3. Last evaluated: 2018-01-13. Review status: criteria provided, single submitter. Criteria: ICSL Variant Classification Criteria 13 December 2019. Collection method: clinical testing. Allele origin: germline.
Comment: This variant was observed in the ICSL laboratory as part of a predisposition screen in an ostensibly healthy population. It had not been previously curated by ICSL or reported in the Human Gene Mutation Database (HGMD: prior to June 1st, 2018), and was therefore a candidate for classification through an automated scoring system. Utilizing variant allele frequency, disease prevalence and penetrance estimates, and inheritance mode, an automated score was calculated to assess if this variant is too frequent to cause the disease. Based on the score and internal cut-off values, a variant classified as likely benign is not then subjected to further curation. The score for this variant resulted in a classification of likely benign for this disease.

Laboratory for Molecular Medicine, Mass General Brigham Personalized Medicine
Classification: Likely benign. Last evaluated: 2015-05-28. Review status: criteria provided, single submitter. Criteria: LMM Criteria. Collection method: clinical testing. Allele origin: germline. Observed: 2 variant alleles.
Comment: p.Pro676Pro in exon 2 of MYO15A: This variant is not expected to have clinical s ignificance because it does not alter an amino acid residue and is not located w ithin the splice consensus sequence. It has been identified in 0.3% (1/374) of S outh Asian chromosomes by the Exome Aggregation Consortium (ExAC; dbSNP rs577023485).

Breakthrough Genomics
Classification: Likely benign. Review status: criteria provided, single submitter. Criteria: ACMG Guidelines, 2015. Collection method: not provided. Allele origin: germline. Inheritance: Autosomal recessive inheritance. Affected: yes.